The following is an entry in ClinVar:

ClinVar aggregate classification (germline): Uncertain significance (1 of 4 stars; one submission).

Conditions:
Autosomal recessive ataxia, Beauce type. Also called: Spinocerebellar ataxia, autosomal recessive 8; ATAXIA, RECESSIVE, OF BEAUCE; SYNE1-Related Autosomal Recessive Cerebellar Ataxia; SYNE1 Deficiency. Identifiers: Orphanet 88644, MedGen C1853116, MONDO:0012549, OMIM 610743.
Emery-Dreifuss muscular dystrophy 4, autosomal dominant (EDMD4). Also called: EMERY-DREIFUSS MUSCULAR DYSTROPHY 4 WITH VARIABLE FEATURES. Identifiers: Orphanet 261, MedGen C2751807, MONDO:0013071, OMIM 612998.

Allele frequency attached by ClinVar (database versions not stated): gnomAD 0.00001 and 0.00002; TOPMed 0.00001; gnomAD exomes 0.00002; ExAC 0.00003.
gnomAD v4.1: 36 of 1,614,064 alleles (0.0022%); highest among the groups gnomAD compares: South Asian, 0.0088%; no homozygotes.

Submission:

Labcorp Genetics (formerly Invitae), Labcorp
Classification: Uncertain significance for Emery-Dreifuss muscular dystrophy 4, autosomal dominant; Autosomal recessive ataxia, Beauce type. Last evaluated: 2019-08-22. Review status: criteria provided, single submitter. Criteria: Invitae Variant Classification Sherloc (09022015). Collection method: clinical testing. Allele origin: germline.
Comment: This sequence change replaces glutamic acid with lysine at codon 7894 of the SYNE1 protein (p.Glu7894Lys). The glutamic acid residue is highly conserved and there is a small physicochemical difference between glutamic acid and lysine. In summary, the available evidence is currently insufficient to determine the role of this variant in disease. Therefore, it has been classified as a Variant of Uncertain Significance. Algorithms developed to predict the effect of missense changes on protein structure and function do not agree on the potential impact of this missense change (SIFT: "Deleterious"; PolyPhen-2: "Probably Damaging"; Align-GVGD: "Class C0"). This variant has not been reported in the literature in individuals with SYNE1-related disease. This variant is present in population databases (rs753219547, ExAC 0.02%).

NM_182961.4(SYNE1):c.23893G>A (p.Glu7965Lys)

Gene: SYNE1 (spectrin repeat containing nuclear envelope protein 1; minus strand). Cytogenetic location: 6q25.2.
Variant type: single nucleotide variant.
Coding change: c.23893G>A on transcript NM_182961.4 (MANE Select); coding-DNA position 23893, G replaced by A.
Protein change: p.Glu7965Lys; replaces glutamic acid 7965 with lysine.
Molecular consequence: missense variant.
Genome position (GRCh38, 1-based): chr6:152,155,995, C>T on the plus strand (G>A on the coding strand, the complement: SYNE1 is on the minus strand). VCF-style: chr6-152155995-C-T. GRCh37 (hg19) VCF-style: chr6-152477130-C-T.
Other names: c.499G>A, p.Glu167Lys (NM_001347701.2); c.358G>A, p.Glu120Lys (NM_001347702.2); c.23680G>A, p.Glu7894Lys (NM_033071.5); short protein forms E120K, E7894K, E7965K, E167K.
Identifiers: ClinVar variation 955928 (VCV000955928.9), dbSNP rs753219547, ClinGen allele CA4053326.